The following is an entry in ClinVar:

NM_198252.3(GSN):c.824T>C (p.Leu275Pro)

Gene: GSN (gelsolin; plus strand). Cytogenetic location: 9q33.2.
Variant type: single nucleotide variant.
Coding change: c.824T>C on transcript NM_198252.3 (MANE Select); coding-DNA position 824, T replaced by C.
Protein change: p.Leu275Pro; replaces leucine 275 with proline.
Molecular consequence: missense variant.
Genome position (GRCh38, 1-based): chr9:121,317,156, T>C. VCF-style: chr9-121317156-T-C. GRCh37 (hg19) VCF-style: chr9-124079434-T-C.
Other names: c.932T>C, p.Leu311Pro (NM_001127663.2); c.824T>C, p.Leu275Pro (NM_001127664.2, NM_001127665.2, NM_001353053.1 and 10 more transcripts); c.857T>C, p.Leu286Pro (NM_001127666.2, NM_001127667.2, NM_001353065.2 and 13 more transcripts); c.875T>C, p.Leu292Pro (NM_001258029.2); c.848T>C, p.Leu283Pro (NM_001258030.2); c.896T>C, p.Leu299Pro (NM_001353076.2); c.170T>C, p.Leu57Pro (NM_001353078.2); c.977T>C, p.Leu326Pro (NM_000177.5); short protein forms L275P, L292P, L57P, L299P, L326P, L283P, L286P, L311P.
Identifiers: ClinVar variation 3642445 (VCV003642445.2).

ClinVar aggregate classification (germline): Uncertain significance (1 of 4 stars; one submission).

gnomAD v4.1: 1 of 1,614,162 alleles (0.000062%); highest among the groups gnomAD compares: South Asian, 0.0011%; no homozygotes.

Submission:

Labcorp Genetics (formerly Invitae), Labcorp
Classification: Uncertain significance. Last evaluated: 2024-02-22. Review status: criteria provided, single submitter. Criteria: Invitae Variant Classification Sherloc (09022015). Collection method: clinical testing. Allele origin: germline.
Comment: This sequence change replaces leucine, which is neutral and non-polar, with proline, which is neutral and non-polar, at codon 326 of the GSN protein (p.Leu326Pro). This variant is not present in population databases (gnomAD no frequency). This variant has not been reported in the literature in individuals affected with GSN-related conditions. Advanced modeling of protein sequence and biophysical properties (such as structural, functional, and spatial information, amino acid conservation, physicochemical variation, residue mobility, and thermodynamic stability) performed at Invitae indicates that this missense variant is expected to disrupt GSN protein function with a positive predictive value of 80%. In summary, the available evidence is currently insufficient to determine the role of this variant in disease. Therefore, it has been classified as a Variant of Uncertain Significance.